The following is an entry in ClinVar:

NM_001148.6(ANK2):c.792+4T>C

Gene: ANK2 (ankyrin 2; plus strand). Cytogenetic location: 4q26.
Variant type: single nucleotide variant.
Coding change: c.792+4T>C on transcript NM_001148.6 (MANE Select); 4 bases into the intron after coding-DNA position 792, T replaced by C.
Molecular consequence: intron variant.
Genome position (GRCh38, 1-based): chr4:113,240,587, T>C. VCF-style: chr4-113240587-T-C. GRCh37 (hg19) VCF-style: chr4-114161743-T-C.
Other names: c.780+4T>C (NM_001386186.2, NM_001386148.2, NM_001354269.3); c.756+4T>C (NM_001386187.2); c.750+4T>C (NM_001386147.1, NM_001386160.1, NM_001354261.2); c.729+4T>C (NM_001354254.2, NM_001354239.2, NM_001354252.2 and 14 more transcripts); c.705+4T>C (NM_001354249.2, NM_001354266.2, NM_001354276.2 and 16 more transcripts); c.837+4T>C (NM_001354241.2, NM_001386152.1, NM_001354237.2 and 5 more transcripts); c.792+4T>C (NM_001354225.2, NM_001354235.2, NM_001354246.2 and 9 more transcripts); c.843+4T>C (NM_001386174.1); and 1 more.
Identifiers: ClinVar variation 1406189 (VCV001406189.10), dbSNP rs374253227, ClinGen allele CA3050107.
Genomic context (GRCh38, chr4:113,240,587, plus strand): 5'-GTCAACGTGGCAACTCTTCTTCTAAACCGGGGAGCTGCTGTGGACTTCACAGCCAGGGTA[T>C]GGATTGAAATAGTTTCTCATTCTAGATAGCAGTAAATGAATATTTTAATAAAGTAAAAAG-3'

ClinVar aggregate classification (germline): Conflicting classifications of pathogenicity. Review status: criteria provided, conflicting classifications (1 of 4 stars). 3 submissions from 3 submitters: Uncertain significance (2); Likely benign (1). Last evaluated 2024-09-27.

Conditions:
Cardiovascular phenotype. Identifiers: MedGen CN230736.
Long QT syndrome (LQTS). Identifiers: MedGen C0023976, MeSH D008133, MONDO:0002442. Disease mechanism: loss of function. Inheritance: Various modes of inheritance.

Allele frequency attached by ClinVar (database versions not stated): ExAC 0.00001; gnomAD exomes 0.00002 and 0.00003; TOPMed 0.00002; gnomAD 0.00003; ESP Exome Variant Server 0.00015.
gnomAD v4.1: 51 of 1,603,018 alleles (0.0032%); highest among the groups gnomAD compares: Non-Finnish European, 0.004%; no homozygotes.

Submissions (3):

Ambry Genetics
Classification: Uncertain significance for Cardiovascular phenotype. Last evaluated: 2024-09-27. Review status: criteria provided, single submitter. Criteria: Ambry Variant Classification Scheme 2023. Collection method: clinical testing. Allele origin: germline.
Comment: The c.792+4T>C intronic variant results from a T to C substitution 4 nucleotides after coding exon 8 in the ANK2 gene. This nucleotide position is not well conserved in available vertebrate species. According to data from gnomAD, the frequency for this variant is above the maximum credible frequency for a cardiac disease-causing variant in this gene based on internally established thresholds (Karczewski et al. Nature. 2020 May;581(7809):434-443; Whiffin et al. Genet Med. 2017 10;19:1151-1158). In silico splice site analysis predicts that this alteration will not have any significant effect on splicing. Based on the supporting evidence, the association of this alteration with ANK2-related neurodevelopmental disorder is unknown; however, the association with ANK2-related arrhythmia is unlikely.

Labcorp Genetics (formerly Invitae), Labcorp
Classification: Uncertain significance for Long QT syndrome. Last evaluated: 2022-11-15. Review status: criteria provided, single submitter. Criteria: Invitae Variant Classification Sherloc (09022015). Collection method: clinical testing. Allele origin: germline.
Comment: This sequence change falls in intron 8 of the ANK2 gene. It does not directly change the encoded amino acid sequence of the ANK2 protein. It affects a nucleotide within the consensus splice site. This variant is present in population databases (rs374253227, gnomAD 0.003%). In summary, the available evidence is currently insufficient to determine the role of this variant in disease. Therefore, it has been classified as a Variant of Uncertain Significance. Variants that disrupt the consensus splice site are a relatively common cause of aberrant splicing (PMID: 17576681, 9536098). Algorithms developed to predict the effect of sequence changes on RNA splicing suggest that this variant is not likely to affect RNA splicing. ClinVar contains an entry for this variant (Variation ID: 1406189). This variant has not been reported in the literature in individuals affected with ANK2-related conditions.

Blueprint Genetics
Classification: Likely benign. Last evaluated: 2020-07-16. Review status: criteria provided, single submitter. Criteria: ACMG Guidelines, 2015. Collection method: clinical testing. Allele origin: germline.

Literature cited by the submitters: PubMed 17576681 (cited by Labcorp Genetics (formerly Invitae), Labcorp); PubMed 9536098 (cited by Labcorp Genetics (formerly Invitae), Labcorp).